The following is an entry in ClinVar:

ClinVar aggregate classification (germline): Likely pathogenic. Review status: criteria provided, multiple submitters, no conflicts (2 of 4 stars). 2 submissions from 2 submitters: Likely pathogenic (2). Last evaluated 2024-10-23.

Conditions:
Corneal dystrophy-perceptive deafness syndrome (CDPD). Also called: CORNEAL DYSTROPHY AND SENSORINEURAL DEAFNESS; HARBOYAN SYNDROME. Identifiers: Orphanet 1490, MedGen C1857572, MONDO:0009015, OMIM 217400.

Submissions (2):

Natera, Inc.
Classification: Likely pathogenic for Corneal dystrophy-perceptive deafness syndrome. Last evaluated: 2024-10-23. Review status: criteria provided, single submitter. Criteria: Natera Variant Classification Schema (03/2026). Collection method: clinical testing. Allele origin: germline.
Comment: The c.1216+1G>A variant in SLC4A11 is a canonical splice donor site variant predicted to affect pre-mRNA splicing, which may result in an abnormal transcript and altered protein product. This variant is expected to result in nonsense mediated decay, truncation, or a dysfunctional protein product. This variant is rare in the general population with a frequency below the threshold expected for the associated phenotype(s). Given the available evidence, this variant is classified as Likely Pathogenic.

Labcorp Genetics (formerly Invitae), Labcorp
Classification: Likely pathogenic. Last evaluated: 2022-08-19. Review status: criteria provided, single submitter. Criteria: Invitae Variant Classification Sherloc (09022015). Collection method: clinical testing. Allele origin: germline.
Comment: In summary, the currently available evidence indicates that the variant is pathogenic, but additional data are needed to prove that conclusively. Therefore, this variant has been classified as Likely Pathogenic. Algorithms developed to predict the effect of sequence changes on RNA splicing suggest that this variant may disrupt the consensus splice site. ClinVar contains an entry for this variant (Variation ID: 1505558). Disruption of this splice site has been observed in individual(s) with congenital hereditary endothelial dystrophy (PMID: 31323090). This variant is not present in population databases (gnomAD no frequency). This sequence change affects a donor splice site in intron 9 of the SLC4A11 gene. It is expected to disrupt RNA splicing. Variants that disrupt the donor or acceptor splice site typically lead to a loss of protein function (PMID: 16199547), and loss-of-function variants in SLC4A11 are known to be pathogenic (PMID: 17220209, 17679935).

Literature cited by the submitters: PubMed 31323090 (cited by Labcorp Genetics (formerly Invitae), Labcorp); PubMed 16199547 (cited by Labcorp Genetics (formerly Invitae), Labcorp); PubMed 17220209 (cited by Labcorp Genetics (formerly Invitae), Labcorp); PubMed 17679935 (cited by Labcorp Genetics (formerly Invitae), Labcorp).

NM_001174089.2(SLC4A11):c.1168+1G>A

Gene: SLC4A11 (solute carrier family 4 member 11; minus strand). Cytogenetic location: 20p13.
Variant type: single nucleotide variant.
Coding change: c.1168+1G>A on transcript NM_001174089.2 (MANE Select); the canonical splice donor site of the intron after coding-DNA position 1168, G replaced by A.
Molecular consequence: splice donor variant.
Genome position (GRCh38, 1-based): chr20:3,230,932, C>T on the plus strand (G>A on the coding strand, the complement: SLC4A11 is on the minus strand). VCF-style: chr20-3230932-C-T. GRCh37 (hg19) VCF-style: chr20-3211578-C-T.
Other names: c.1111+1G>A (NM_001400277.1, NM_001400278.1, NM_001400279.1); c.1168+1G>A (NM_001363745.2); c.1297+1G>A (NM_001400280.1, NM_001174090.2); c.1216+1G>A (NM_032034.4, NM_032034.3).
Identifiers: ClinVar variation 1505558 (VCV001505558.11), dbSNP rs2122548698, ClinGen allele CA408089083.